The following is an entry in ClinVar:

ClinVar aggregate classification (germline): Likely benign. Review status: criteria provided, multiple submitters, no conflicts (2 of 4 stars). 4 submissions from 4 submitters: Likely benign (4). Last evaluated 2025-12-16.

Conditions:
Cardiovascular phenotype. Identifiers: MedGen CN230736.
Autosomal recessive limb-girdle muscular dystrophy type 2J (LGMDR10). Also called: MUSCULAR DYSTROPHY, LIMB-GIRDLE, AUTOSOMAL RECESSIVE 10; Limb-girdle muscular dystrophy, type 2J. Identifiers: Orphanet 140922, MedGen C1837342, MONDO:0012127, OMIM 608807.
Dilated cardiomyopathy 1G (CMD1G). Identifiers: Orphanet 154, MedGen C1858763, MONDO:0011400, OMIM 604145.

Allele frequency attached by ClinVar (database versions not stated): gnomAD exomes below 0.00001; TOPMed below 0.00001; gnomAD 0.00001.
gnomAD v4.1: 4 of 1,613,750 alleles (0.00025%); highest among the groups gnomAD compares: East Asian, 0.0022%; no homozygotes.

Submissions (4):

Labcorp Genetics (formerly Invitae), Labcorp
Classification: Likely benign for Dilated cardiomyopathy 1G; Autosomal recessive limb-girdle muscular dystrophy type 2J. Last evaluated: 2025-12-16. Review status: criteria provided, single submitter. Criteria: Invitae Variant Classification Sherloc (09022015). Collection method: clinical testing. Allele origin: germline.

Women's Health and Genetics/Laboratory Corporation of America, LabCorp
Classification: Likely benign. Last evaluated: 2025-06-26. Review status: criteria provided, single submitter. Criteria: LabCorp Variant Classification Summary - May 2015. Collection method: clinical testing. Allele origin: germline.

Ambry Genetics
Classification: Likely benign for Cardiovascular phenotype. Last evaluated: 2023-02-08. Review status: criteria provided, single submitter. Criteria: Ambry Variant Classification Scheme 2023. Collection method: clinical testing. Allele origin: germline.

GeneDx
Classification: Likely benign. Last evaluated: 2022-04-29. Review status: criteria provided, single submitter. Criteria: GeneDx Variant Classification Process June 2021. Collection method: clinical testing. Allele origin: germline. Affected: yes.
Comment: See Variant Classification Assertion Criteria.

NM_001267550.2(TTN):c.90075G>A (p.Val30025=)

Genes: TTN-AS1 (TTN antisense RNA 1; plus strand), TTN (titin; minus strand). Cytogenetic location: 2q31.2.
Variant type: single nucleotide variant.
Coding change: c.90075G>A on transcript NM_001267550.2 (MANE Select); coding-DNA position 90075, G replaced by A.
Protein change: p.Val30025=; no amino-acid change (valine 30025 retained).
Molecular consequence: synonymous variant.
Genome position (GRCh38, 1-based): chr2:178,552,825, C>T on the plus strand (G>A on the coding strand, the complement: TTN is on the minus strand). VCF-style: chr2-178552825-C-T. GRCh37 (hg19) VCF-style: chr2-179417552-C-T.
Other names: c.85152G>A, p.Val28384= (NM_001256850.1); c.62880G>A, p.Val20960= (NM_003319.4); c.82371G>A, p.Val27457= (NM_133378.4); c.63255G>A, p.Val21085= (NM_133432.3); c.63456G>A, p.Val21152= (NM_133437.4); c.90075G>A (NM_001267550.1).
Identifiers: ClinVar variation 706520 (VCV000706520.16), dbSNP rs1161233801, ClinGen allele CA430245761.